The following is an entry in ClinVar:

NM_031924.8(RSPH3):c.859+5G>A

Gene: RSPH3 (radial spoke head 3; minus strand). Cytogenetic location: 6q25.3.
Variant type: single nucleotide variant.
Coding change: c.859+5G>A on transcript NM_031924.8 (MANE Select); 5 bases into the intron after coding-DNA position 859, G replaced by A.
Molecular consequence: intron variant.
Genome position (GRCh38, 1-based): chr6:158,980,769, C>T on the plus strand (G>A on the coding strand, the complement: RSPH3 is on the minus strand). VCF-style: chr6-158980769-C-T. GRCh37 (hg19) VCF-style: chr6-159401801-C-T.
Other names: c.1285+5G>A (NM_031924.6); c.997+5G>A (NM_001346418.1).
Identifiers: ClinVar variation 542467 (VCV000542467.6), dbSNP rs545361014, ClinGen allele CA4075796.

ClinVar aggregate classification (germline): Uncertain significance. Review status: criteria provided, multiple submitters, no conflicts (2 of 4 stars). 3 submissions from 3 submitters: Uncertain significance (3). Last evaluated 2025-04-15.

Conditions:
Primary ciliary dyskinesia 32. Also called: CILIARY DYSKINESIA, PRIMARY, 32, WITHOUT SITUS INVERSUS. Identifiers: Orphanet 244, MedGen C4225311, MONDO:0014657, OMIM 616481.

Allele frequency attached by ClinVar (database versions not stated): ExAC 0.00001; gnomAD exomes 0.00001 and 0.00002; gnomAD 0.00010 and 0.00011; 1000 Genomes Project 30x 0.00016; TOPMed 0.00018; 1000 Genomes Project 0.00020.
gnomAD v4.1: 30 of 1,610,278 alleles (0.0019%); highest among the groups gnomAD compares: Admixed American, 0.03%; no homozygotes.

Submissions (3):

Mayo Clinic Laboratories, Mayo Clinic
Classification: Uncertain significance. Last evaluated: 2025-04-15. Review status: criteria provided, single submitter. Criteria: ACMG Guidelines, 2015. Collection method: clinical testing. Allele origin: germline. Observed: 1 variant allele.

Blueprint Genetics
Classification: Uncertain significance. Last evaluated: 2023-12-04. Review status: criteria provided, single submitter. Criteria: ACMG Guidelines, 2015. Collection method: clinical testing. Allele origin: germline.

Labcorp Genetics (formerly Invitae), Labcorp
Classification: Uncertain significance for Primary ciliary dyskinesia 32. Last evaluated: 2021-10-22. Review status: criteria provided, single submitter. Criteria: Invitae Variant Classification Sherloc (09022015). Collection method: clinical testing. Allele origin: germline.
Comment: This sequence change falls in intron 6 of the RSPH3 gene. It does not directly change the encoded amino acid sequence of the RSPH3 protein, but it affects a nucleotide within the consensus splice site of the intron. This variant is present in population databases (rs545361014, ExAC 0.01%). This variant has not been reported in the literature in individuals with RSPH3-related disease. Nucleotide substitutions within the consensus splice site are a relatively common cause of aberrant splicing (PMID: 17576681, 9536098). Algorithms developed to predict the effect of sequence changes on RNA splicing suggest that this variant may disrupt the consensus splice site, but this prediction has not been confirmed by published transcriptional studies. In summary, the available evidence is currently insufficient to determine the role of this variant in disease. Therefore, it has been classified as a Variant of Uncertain Significance.

Literature cited by the submitters: PubMed 17576681 (cited by Labcorp Genetics (formerly Invitae), Labcorp); PubMed 9536098 (cited by Labcorp Genetics (formerly Invitae), Labcorp).